The following is an entry in ClinVar:

ClinVar aggregate classification (germline): Uncertain significance. Review status: criteria provided, multiple submitters, no conflicts (2 of 4 stars). 3 submissions from 3 submitters: Uncertain significance (2). 1 of the submissions does not count toward it. Last evaluated 2025-03-10.

Conditions:
Primary ciliary dyskinesia. Also called: Ciliary dyskinesia. Identifiers: Orphanet 244, MedGen C0008780, MONDO:0016575, HP:0012265.

Allele frequency attached by ClinVar (database versions not stated): gnomAD exomes below 0.00001; TOPMed below 0.00001; ExAC 0.00001.
gnomAD v4.1: 1 of 1,613,954 alleles (0.000062%); highest among the groups gnomAD compares: Non-Finnish European, 0.000085%; no homozygotes.

Submissions (3):

Ambry Genetics
Classification: Uncertain significance for Primary ciliary dyskinesia. Last evaluated: 2025-03-10. Review status: criteria provided, single submitter. Criteria: Ambry Variant Classification Scheme 2023. Collection method: clinical testing. Allele origin: germline.

Labcorp Genetics (formerly Invitae), Labcorp
Classification: Uncertain significance for Primary ciliary dyskinesia. Last evaluated: 2021-08-26. Review status: criteria provided, single submitter. Criteria: Invitae Variant Classification Sherloc (09022015). Collection method: clinical testing. Allele origin: germline.
Comment: This sequence change replaces alanine with proline at codon 4125 of the DNAH5 protein (p.Ala4125Pro). The alanine residue is weakly conserved and there is a small physicochemical difference between alanine and proline. This variant is present in population databases (rs757737381, ExAC 0.002%). This variant has not been reported in the literature in individuals affected with DNAH5-related conditions. Algorithms developed to predict the effect of missense changes on protein structure and function (SIFT, PolyPhen-2, Align-GVGD) all suggest that this variant is likely to be tolerated. In summary, the available evidence is currently insufficient to determine the role of this variant in disease. Therefore, it has been classified as a Variant of Uncertain Significance.

Natera, Inc.
Classification: Uncertain significance for Primary ciliary dyskinesia. Last evaluated: 2020-12-08. Review status: no assertion criteria provided. Collection method: clinical testing. Allele origin: germline. Not counted in ClinVar's aggregate classification.

NM_001369.3(DNAH5):c.12373G>C (p.Ala4125Pro)

Gene: DNAH5 (dynein axonemal heavy chain 5; minus strand). Cytogenetic location: 5p15.2.
Variant type: single nucleotide variant.
Coding change: c.12373G>C on transcript NM_001369.3 (MANE Select); coding-DNA position 12373, G replaced by C.
Protein change: p.Ala4125Pro; replaces alanine 4125 with proline.
Molecular consequence: missense variant.
Genome position (GRCh38, 1-based): chr5:13,719,008, C>G on the plus strand (G>C on the coding strand, the complement: DNAH5 is on the minus strand). VCF-style: chr5-13719008-C-G. GRCh37 (hg19) VCF-style: chr5-13719117-C-G.
Other names: short protein forms A4125P.
Identifiers: ClinVar variation 968830 (VCV000968830.11), dbSNP rs757737381, ClinGen allele CA3201661.
Genomic context (GRCh38, chr5:13,719,008, plus strand): 5'-TCTGAAGGAGTGTAATGGGAAACTGCTTATGAGCCTCGGTGGTCATCCAGAGGCGGAACG[C>G]ATCATGTACAAGCTCAGTTTCTATGATTATGTCCATCAGCTCATCCATGAAATCAAGTCC-3'
Protein context (NP_001360.1, residues 4115-4135): IIIETELVHD[Ala4125Pro]FRLWMTTEAH